The following is an entry in ClinVar:

ClinVar aggregate classification (germline): Uncertain significance. Review status: criteria provided, single submitter (1 of 4 stars). 2 submissions from 2 submitters: Uncertain significance (1). 1 of the submissions does not count toward it. Last evaluated 2023-02-16.

Conditions:
Prostate cancer. Also called: Malignant tumor of prostate. Identifiers: Orphanet 1331, MedGen C0376358, MONDO:0008315, HP:0012125.

Submissions (2):

GeneDx
Classification: Uncertain significance. Last evaluated: 2023-02-16. Review status: criteria provided, single submitter. Criteria: GeneDx Variant Classification Process June 2021. Collection method: clinical testing. Allele origin: germline. Affected: yes.
Comment: Not observed in large population cohorts (gnomAD); Canonical splice site variant in a gene for which loss-of-function is not a known mechanism of disease; Has not been previously published as pathogenic or benign to our knowledge

Laboratory of Virology, Microbiology,  Quality and Medical Biotechnologies, Faculty of Sciences and Techniques - Mohammedia, Hassan II University of Casablanca
Classification: Uncertain significance for Malignant tumor of prostate. Review status: no assertion criteria provided. Collection method: clinical testing. Allele origin: somatic. Affected: yes. Not counted in ClinVar's aggregate classification.

NM_001007228.2(SPOP):c.353-1G>A

Gene: SPOP (speckle type BTB/POZ protein; minus strand). Cytogenetic location: 17q21.33.
Variant type: single nucleotide variant.
Coding change: c.353-1G>A on transcript NM_001007228.2 (MANE Select); the canonical splice acceptor site of the intron before coding-DNA position 353, G replaced by A.
Molecular consequence: splice acceptor variant.
Genome position (GRCh38, 1-based): chr17:49,619,109, C>T on the plus strand (G>A on the coding strand, the complement: SPOP is on the minus strand). VCF-style: chr17-49619109-C-T. GRCh37 (hg19) VCF-style: chr17-47696471-C-T.
Other names: c.353-1G>A (NM_001007229.1, NM_001007227.1, NM_001007230.1 and 5 more transcripts).
Identifiers: ClinVar variation 694088 (VCV000694088.4), dbSNP rs2072157936, ClinGen allele CA400156795.